The following is an entry in ClinVar:

NM_001278431.2(C1QTNF5):c.562C>A (p.Pro188Thr)

Genes: C1QTNF5 (C1q and TNF related 5; minus strand), MFRP (membrane frizzled-related protein; minus strand). Cytogenetic location: 11q23.3.
Variant type: single nucleotide variant.
Coding change: c.562C>A on transcript NM_001278431.2 (MANE Select); coding-DNA position 562, C replaced by A.
Protein change: p.Pro188Thr; replaces proline 188 with threonine.
Molecular consequence: missense variant. On other transcripts: 3 prime UTR variant (1).
Genome position (GRCh38, 1-based): chr11:119,339,501, G>T on the plus strand (C>A on the coding strand, the complement: C1QTNF5 is on the minus strand). VCF-style: chr11-119339501-G-T. GRCh37 (hg19) VCF-style: chr11-119210211-G-T.
Other names: c.562C>A, p.Pro188Thr (NM_015645.5); c.*1458C>A (NM_031433.4); short protein forms P188T.
Identifiers: ClinVar variation 1687105 (VCV001687105.3), dbSNP rs1591299252, ClinGen allele CA382968502.

ClinVar aggregate classification (germline): Pathogenic/Likely pathogenic. Review status: criteria provided, multiple submitters, no conflicts (2 of 4 stars). 2 submissions from 2 submitters: Pathogenic (1); Likely pathogenic (1). Last evaluated 2022-05-27.

Conditions:
Retinal dystrophy. Also called: Inherited retinal dystrophy. Identifiers: Orphanet 71862, MedGen C0854723, MeSH D058499, MONDO:0019118, HP:0000556.
Late-onset retinal degeneration (LORD). Also called: RETINAL DEGENERATION, LATE-ONSET, AUTOSOMAL DOMINANT. Identifiers: Orphanet 67042, MedGen C1854065, MONDO:0011579, OMIM 605670. Disease mechanism: loss of function.

Submissions (2):

Institute of Human Genetics, University of Goettingen
Classification: Pathogenic for Late-onset retinal degeneration. Last evaluated: 2022-05-27. Review status: criteria provided, single submitter. Criteria: ACMG Guidelines, 2015. Collection method: clinical testing. Allele origin: unknown. Inheritance: Autosomal dominant inheritance. Affected: yes. Observed: 1 heterozygote.
Comment: The variant c.562C>A (p.(Pro188Thr)) in exon 15 of the C1QTNF5-gene is not found in the gnomAD database, it affects a moderately conserved nucleotide, a highly conserved amino acid within a protein domain and there is a small physicochemical difference between Pro and Thr. This mutation has already been described to be pathogenic in the literature (PMID: 33949280) and functional studies have shown a deleterious effect of this variant on protein function (PMID: 28939808). Also, p.Pro188Thr is a missense mutation at an amino acid residue where another missense change determined to be pathogenic has been already described (p.Pro188Leu, PMID: 32036094). This variant has a pathogenic computational verdict based in silico prediction models. ACMG criteria used for classification: PS3, PM2, PM5, PP2, PP3, PP5.

Institute of Human Genetics, Univ. Regensburg, Univ. Regensburg
Classification: Likely pathogenic for Retinal dystrophy. Last evaluated: 2022-01-01. Review status: criteria provided, single submitter. Criteria: ACMG Guidelines, 2015. Collection method: clinical testing. Allele origin: germline. Affected: yes.

Literature cited by the submitters: PubMed 33949280 (cited by Institute of Human Genetics, University of Goettingen); PubMed 28939808 (cited by Institute of Human Genetics, University of Goettingen and Institute of Human Genetics, Univ. Regensburg, Univ. Regensburg); PubMed 3394928 (cited by Institute of Human Genetics, Univ. Regensburg, Univ. Regensburg).